The following is an entry in ClinVar:

NM_003126.4(SPTA1):c.1248+5A>G

Gene: SPTA1 (spectrin alpha, erythrocytic 1; minus strand). Cytogenetic location: 1q23.1.
Variant type: single nucleotide variant.
Coding change: c.1248+5A>G on transcript NM_003126.4 (MANE Select); 5 bases into the intron after coding-DNA position 1248, A replaced by G.
Molecular consequence: intron variant.
Genome position (GRCh38, 1-based): chr1:158,674,535, T>C on the plus strand (A>G on the coding strand, the complement: SPTA1 is on the minus strand). VCF-style: chr1-158674535-T-C. GRCh37 (hg19) VCF-style: chr1-158644325-T-C.
Identifiers: ClinVar variation 3032695 (VCV003032695.2), dbSNP rs2101924242, ClinGen allele CA2648563133.

ClinVar aggregate classification (germline): Likely benign (0 of 4 stars; one submission).

Conditions:
SPTA1-related disorder. Also called: SPTA1-related disorders; SPTA1-related condition.

Allele frequency attached by ClinVar (database versions not stated): gnomAD exomes below 0.00001.
gnomAD v4.1: 2 of 1,614,138 alleles (0.00012%); highest among the groups gnomAD compares: East Asian, 0.0022%; no homozygotes.

Submission:

PreventionGenetics, part of Exact Sciences
Classification: Likely benign for SPTA1-related condition. Last evaluated: 2020-12-08. Review status: no assertion criteria provided. Collection method: clinical testing. Allele origin: germline.
Comment: This variant is classified as likely benign based on ACMG/AMP sequence variant interpretation guidelines (Richards et al. 2015 PMID: 25741868, with internal and published modifications).